The following is an entry in ClinVar:

ClinVar aggregate classification (germline): Conflicting classifications of pathogenicity. Review status: criteria provided, conflicting classifications (1 of 4 stars). 10 submissions from 9 submitters: Uncertain significance (1); Benign (8); Likely benign (1). Last evaluated 2026-01-01.

Conditions:
SYNE1-related disorder. Also called: SYNE1-related disease; SYNE1-related condition; SYNE1-related disorders.
Autosomal recessive ataxia, Beauce type. Also called: ATAXIA, RECESSIVE, OF BEAUCE; Spinocerebellar ataxia, autosomal recessive 8; SYNE1 Deficiency; SYNE1-Related Autosomal Recessive Cerebellar Ataxia. Identifiers: Orphanet 88644, MedGen C1853116, MONDO:0012549, OMIM 610743.
Emery-Dreifuss muscular dystrophy 4, autosomal dominant (EDMD4). Also called: EMERY-DREIFUSS MUSCULAR DYSTROPHY 4 WITH VARIABLE FEATURES. Identifiers: Orphanet 261, MedGen C2751807, MONDO:0013071, OMIM 612998.

Allele frequency attached by ClinVar (database versions not stated): gnomAD 0.00060 and 0.00061; TOPMed 0.00067; ExAC 0.00083; ESP Exome Variant Server 0.00108; gnomAD exomes 0.00116.
gnomAD v4.1: 1,040 of 1,613,956 alleles (0.064%); highest among the groups gnomAD compares: Non-Finnish European, 0.013%; 7 homozygotes.

Submissions (10):

CeGaT Center for Human Genetics Tuebingen
Classification: Benign. Last evaluated: 2026-01-01. Review status: criteria provided, single submitter. Criteria: CeGaT Center For Human Genetics Tuebingen Variant Classification Criteria Version 2. Collection method: clinical testing. Allele origin: germline. Affected: yes. Observed: 4 variant alleles.
Comment: SYNE1: BS1, BS2

Labcorp Genetics (formerly Invitae), Labcorp
Classification: Benign for Emery-Dreifuss muscular dystrophy 4, autosomal dominant; Autosomal recessive ataxia, Beauce type. Last evaluated: 2025-12-31. Review status: criteria provided, single submitter. Criteria: Invitae Variant Classification Sherloc (09022015). Collection method: clinical testing. Allele origin: germline.

PreventionGenetics, part of Exact Sciences
Classification: Benign for SYNE1-related condition. Last evaluated: 2025-06-03. Review status: criteria provided, single submitter. Criteria: ACMG Guidelines, 2015. Collection method: clinical testing. Allele origin: germline.
Comment: This variant is classified as benign based on ACMG/AMP sequence variant interpretation guidelines (Richards et al. 2015 PMID: 25741868, with internal and published modifications).

Blueprint Genetics
Classification: Likely benign. Last evaluated: 2024-10-30. Review status: criteria provided, single submitter. Criteria: ACMG Guidelines, 2015. Collection method: clinical testing. Allele origin: germline.

Mayo Clinic Laboratories, Mayo Clinic
Classification: Benign. Last evaluated: 2019-09-23. Review status: criteria provided, single submitter. Criteria: ACMG Guidelines, 2015. Collection method: clinical testing. Allele origin: germline. Observed: 3 variant alleles.

GeneDx
Classification: Benign. Last evaluated: 2018-12-06. Review status: criteria provided, single submitter. Criteria: GeneDx Variant Classification Process June 2021. Collection method: clinical testing. Allele origin: germline. Affected: yes.

Athena Diagnostics
Classification: Benign. Last evaluated: 2018-03-15. Review status: criteria provided, single submitter. Criteria: Athena Diagnostics criteria. Collection method: clinical testing. Allele origin: unknown.

Illumina Laboratory Services, Illumina
Classification: Benign for Emery-Dreifuss muscular dystrophy 4, autosomal dominant. Last evaluated: 2018-01-12. Review status: criteria provided, single submitter. Criteria: ICSL Variant Classification Criteria 13 December 2019. Collection method: clinical testing. Allele origin: germline.
Comment: This variant was observed in the ICSL laboratory as part of a predisposition screen in an ostensibly healthy population. It had not been previously curated by ICSL or reported in the Human Gene Mutation Database (HGMD: prior to June 1st, 2018), and was therefore a candidate for classification through an automated scoring system. Utilizing variant allele frequency, disease prevalence and penetrance estimates, and inheritance mode, an automated score was calculated to assess if this variant is too frequent to cause the disease. Based on the score and internal cut-off values, a variant classified as benign is not then subjected to further curation. The score for this variant resulted in a classification of benign for this disease.

Illumina Laboratory Services, Illumina
Classification: Uncertain significance for Autosomal recessive ataxia, Beauce type. Last evaluated: 2018-01-12. Review status: criteria provided, single submitter. Criteria: ICSL Variant Classification Criteria 13 December 2019. Collection method: clinical testing. Allele origin: germline.

Eurofins Ntd Llc (ga)
Classification: Benign. Last evaluated: 2017-05-08. Review status: criteria provided, single submitter. Criteria: EGL Classification Definitions 2015. Collection method: clinical testing. Allele origin: germline. Observed: 11 variant alleles, 11 heterozygotes.

NM_182961.4(SYNE1):c.24349C>T (p.Arg8117Trp)

Gene: SYNE1 (spectrin repeat containing nuclear envelope protein 1; minus strand). Cytogenetic location: 6q25.2.
Variant type: single nucleotide variant.
Coding change: c.24349C>T on transcript NM_182961.4 (MANE Select); coding-DNA position 24349, C replaced by T.
Protein change: p.Arg8117Trp; replaces arginine 8117 with tryptophan.
Molecular consequence: missense variant.
Genome position (GRCh38, 1-based): chr6:152,151,654, G>A on the plus strand (C>T on the coding strand, the complement: SYNE1 is on the minus strand). VCF-style: chr6-152151654-G-A. GRCh37 (hg19) VCF-style: chr6-152472789-G-A.
Other names: p.Arg8046Trp; c.955C>T, p.Arg319Trp (NM_001347701.2); c.814C>T, p.Arg272Trp (NM_001347702.2); c.24136C>T, p.Arg8046Trp (NM_033071.5); short protein forms R8046W, R8117W, R272W, R319W.
Identifiers: ClinVar variation 194299 (VCV000194299.49), dbSNP rs144056525, ClinGen allele CA240197.